The following is an entry in ClinVar:

NM_000539.3(RHO):c.-26A>G

Gene: RHO (rhodopsin; plus strand). Cytogenetic location: 3q22.1.
Variant type: single nucleotide variant.
Coding change: c.-26A>G on transcript NM_000539.3 (MANE Select); 26 bases upstream of the start codon, A replaced by G.
Molecular consequence: 5 prime UTR variant.
Genome position (GRCh38, 1-based): chr3:129,528,708, A>G. VCF-style: chr3-129528708-A-G. GRCh37 (hg19) VCF-style: chr3-129247551-A-G.
Identifiers: ClinVar variation 256383 (VCV000256383.14), dbSNP rs7984, ClinGen allele CA2607030.
Genomic context (GRCh38, chr3:129,528,708, plus strand): 5'-CAGCTGGAGCCCTGAGTGGCTGAGCTCAGGCCTTCGCAGCATTCTTGGGTGGGAGCAGCC[A>G]CGGGTCAGCCACAAGGGCCACAGCCATGAATGGCACAGAAGGCCCTAACTTCTACGTGCC-3'

ClinVar aggregate classification (germline): Benign. Review status: criteria provided, multiple submitters, no conflicts (2 of 4 stars). 9 submissions from 7 submitters: Benign (7). 2 of the submissions do not count toward it. Last evaluated 2021-11-07.

Conditions:
Retinitis pigmentosa (RP). Identifiers: Orphanet 791, MedGen C0035334, MeSH D012174, MONDO:0019200, OMIM 268000. Inheritance: Autosomal dominant, autosomal recessive and X linked inheritance.
Pigmentary retinal dystrophy. Also called: Fundus albipunctatus. Identifiers: Orphanet 227796, Orphanet 52427, MedGen C0311338, MONDO:0007639, OMIM 136880, HP:0030642.
Congenital stationary night blindness autosomal dominant 1. Also called: NIGHT BLINDNESS, CONGENITAL STATIONARY, RHODOPSIN-RELATED. Identifiers: Orphanet 215, MedGen C1864869, MONDO:0012498, OMIM 610445.
Retinitis pigmentosa 4 (RP4). Also called: RETINITIS PIGMENTOSA, RHODOPSIN-RELATED. Identifiers: Orphanet 791, MedGen C3151001, MONDO:0013395, OMIM 613731.

Allele frequency attached by ClinVar (database versions not stated): gnomAD exomes 0.19726 and 0.27671; ExAC 0.28690; ESP Exome Variant Server 0.37929; gnomAD 0.37991 and 0.38071; TOPMed 0.41664; 1000 Genomes Project 0.52835; 1000 Genomes Project 30x 0.53529.

Submissions (9):

Genome-Nilou Lab
Classification: Benign for Retinitis pigmentosa 4. Last evaluated: 2021-11-07. Review status: criteria provided, single submitter. Criteria: ACMG Guidelines, 2015. Collection method: clinical testing. Allele origin: germline. Affected: no.

Genome-Nilou Lab
Classification: Benign for Pigmentary retinal dystrophy. Last evaluated: 2021-11-07. Review status: criteria provided, single submitter. Criteria: ACMG Guidelines, 2015. Collection method: clinical testing. Allele origin: germline. Affected: no.

Illumina Laboratory Services, Illumina
Classification: Benign for Congenital stationary night blindness autosomal dominant 1. Last evaluated: 2018-01-12. Review status: criteria provided, single submitter. Criteria: ICSL Variant Classification Criteria 13 December 2019. Collection method: clinical testing. Allele origin: germline.
Comment: This variant was observed in the ICSL laboratory as part of a predisposition screen in an ostensibly healthy population. It had not been previously curated by ICSL or reported in the Human Gene Mutation Database (HGMD: prior to June 1st, 2018), and was therefore a candidate for classification through an automated scoring system. Utilizing variant allele frequency, disease prevalence and penetrance estimates, and inheritance mode, an automated score was calculated to assess if this variant is too frequent to cause the disease. Based on the score and internal cut-off values, a variant classified as benign is not then subjected to further curation. The score for this variant resulted in a classification of benign for this disease.

Illumina Laboratory Services, Illumina
Classification: Benign for Retinitis pigmentosa. Last evaluated: 2018-01-12. Review status: criteria provided, single submitter. Criteria: ICSL Variant Classification Criteria 13 December 2019. Collection method: clinical testing. Allele origin: germline.
Comment: the same text as in the submission from Illumina Laboratory Services, Illumina above.

GeneDx
Classification: Benign. Last evaluated: 2015-03-03. Review status: criteria provided, single submitter. Criteria: GeneDx Variant Classification Process June 2021. Collection method: clinical testing. Allele origin: germline. Affected: yes.

Breakthrough Genomics
Classification: Benign. Review status: criteria provided, single submitter. Criteria: ACMG Guidelines, 2015. Collection method: not provided. Allele origin: germline. Inheritance: Autosomal dominant inheritance. Affected: yes.

PreventionGenetics, part of Exact Sciences
Classification: Benign. Review status: criteria provided, single submitter. Criteria: ACMG Guidelines, 2015. Collection method: clinical testing. Allele origin: germline.

Clinical Genetics DNA and cytogenetics Diagnostics Lab, Erasmus MC, Erasmus Medical Center
Classification: Benign. Review status: no assertion criteria provided. Collection method: clinical testing. Allele origin: germline. Affected: yes. Study: VKGL Data-share Consensus. Not counted in ClinVar's aggregate classification.

Joint Genome Diagnostic Labs from Nijmegen and Maastricht, Radboudumc and MUMC+
Classification: Benign. Review status: no assertion criteria provided. Collection method: clinical testing. Allele origin: germline. Affected: yes. Study: VKGL Data-share Consensus. Not counted in ClinVar's aggregate classification.